The following is an entry in ClinVar:

ClinVar aggregate classification (germline): Uncertain significance (1 of 4 stars; one submission).

Allele frequency attached by ClinVar (database versions not stated): gnomAD exomes below 0.00001.
gnomAD v4.1: 1 of 1,614,218 alleles (0.000062%); highest among the groups gnomAD compares: Non-Finnish European, 0.000085%; no homozygotes.

Submission:

Labcorp Genetics (formerly Invitae), Labcorp
Classification: Uncertain significance. Last evaluated: 2022-04-10. Review status: criteria provided, single submitter. Criteria: Invitae Variant Classification Sherloc (09022015). Collection method: clinical testing. Allele origin: germline.
Comment: This variant has not been reported in the literature in individuals affected with ACO2-related conditions. Advanced modeling of protein sequence and biophysical properties (such as structural, functional, and spatial information, amino acid conservation, physicochemical variation, residue mobility, and thermodynamic stability) performed at Invitae indicates that this missense variant is expected to disrupt ACO2 protein function. In summary, the available evidence is currently insufficient to determine the role of this variant in disease. Therefore, it has been classified as a Variant of Uncertain Significance. This variant is not present in population databases (gnomAD no frequency). This sequence change replaces threonine, which is neutral and polar, with isoleucine, which is neutral and non-polar, at codon 497 of the ACO2 protein (p.Thr497Ile).

NM_001098.3(ACO2):c.1490C>T (p.Thr497Ile)

Gene: ACO2 (aconitase 2; plus strand). Cytogenetic location: 22q13.2.
Variant type: single nucleotide variant.
Coding change: c.1490C>T on transcript NM_001098.3 (MANE Select); coding-DNA position 1490, C replaced by T.
Protein change: p.Thr497Ile; replaces threonine 497 with isoleucine.
Molecular consequence: missense variant.
Genome position (GRCh38, 1-based): chr22:41,524,853, C>T. VCF-style: chr22-41524853-C-T. GRCh37 (hg19) VCF-style: chr22-41920857-C-T.
Other names: short protein forms T497I.
Identifiers: ClinVar variation 2124086 (VCV002124086.4), dbSNP rs2518232558, ClinGen allele CA411727266.